The following is an entry in ClinVar:

ClinVar aggregate classification (germline): Uncertain significance (1 of 4 stars; one submission).

Conditions:
KDM6B-related disorder. Also called: KDM6B-related condition.

Allele frequency attached by ClinVar (database versions not stated): gnomAD exomes below 0.00001.
gnomAD v4.1: 2 of 1,614,160 alleles (0.00012%); highest among the groups gnomAD compares: Non-Finnish European, 0.00017%; no homozygotes.

Submission:

PreventionGenetics, part of Exact Sciences
Classification: Uncertain significance for KDM6B-related condition. Last evaluated: 2026-06-04. Review status: criteria provided, single submitter. Criteria: ACMG Guidelines, 2015. Collection method: clinical testing. Allele origin: germline.
Comment: The KDM6B c.3913G>A variant is predicted to result in the amino acid substitution p.Glu1305Lys. To our knowledge, this variant has not been reported in the literature. This variant was not reported in gnomAD V2.1.1; however, it is observed in 2 alleles in gnomAD V4.0.0. Although we suspect this variant could be pathogenic, at this time, the clinical significance of this variant is uncertain due to the absence of conclusive functional and genetic evidence.

NM_001348716.2(KDM6B):c.3913G>A (p.Glu1305Lys)

Genes: KDM6B (lysine demethylase 6B; plus strand), LOC121587574 (Sharpr-MPRA regulatory region 3930; plus strand). Cytogenetic location: 17p13.1.
Variant type: single nucleotide variant.
Coding change: c.3913G>A on transcript NM_001348716.2 (MANE Select); coding-DNA position 3913, G replaced by A.
Protein change: p.Glu1305Lys; replaces glutamic acid 1305 with lysine.
Molecular consequence: missense variant.
Genome position (GRCh38, 1-based): chr17:7,851,363, G>A. VCF-style: chr17-7851363-G-A. GRCh37 (hg19) VCF-style: chr17-7754681-G-A.
Other names: c.3913G>A, p.Glu1305Lys (NM_001080424.2); short protein forms E1305K.
Identifiers: ClinVar variation 3030408 (VCV003030408.3), dbSNP rs2544532500, ClinGen allele CA397926205.